The following is an entry in ClinVar:

ClinVar aggregate classification (germline): Pathogenic. Review status: criteria provided, single submitter (1 of 4 stars). 2 submissions from 2 submitters: Pathogenic (1). 1 of the submissions does not count toward it. Last evaluated 2023-02-22.

Conditions:
Glycogen storage disease type III (GSD3). Also called: FORBES DISEASE; Cori disease. Identifiers: Orphanet 366, MedGen C0017922, MONDO:0009291, OMIM 232400.

Allele frequency attached by ClinVar (database versions not stated): gnomAD exomes below 0.00001; TOPMed below 0.00001.
gnomAD v4.1: 2 of 1,609,482 alleles (0.00012%); highest among the groups gnomAD compares: East Asian, 0.0022%; no homozygotes.

Submissions (2):

Labcorp Genetics (formerly Invitae), Labcorp
Classification: Pathogenic for Glycogen storage disease type III. Last evaluated: 2023-02-22. Review status: criteria provided, single submitter. Criteria: Invitae Variant Classification Sherloc (09022015). Collection method: clinical testing. Allele origin: germline.
Comment: This sequence change affects a donor splice site in intron 32 of the AGL gene. RNA analysis indicates that disruption of this splice site induces altered splicing and likely disrupts the C-terminus of the protein. For these reasons, this variant has been classified as Pathogenic. Studies have shown that disruption of this splice site results in skipping of exon 33 and introduces a new termination codon (PMID: 26984562). However the mRNA is not expected to undergo nonsense-mediated decay. ClinVar contains an entry for this variant (Variation ID: 456505). Disruption of this splice site has been observed in individual(s) with glycogen storage disease (PMID: 26984562; Invitae). This variant is not present in population databases (gnomAD no frequency).

Counsyl
Classification: Likely pathogenic for Glycogen storage disease type III. Last evaluated: 2019-07-12. Review status: no assertion criteria provided. Collection method: clinical testing. Allele origin: unknown. Not counted in ClinVar's aggregate classification.

Literature cited by the submitters: PubMed 26984562 (cited by Labcorp Genetics (formerly Invitae), Labcorp and Counsyl).

NM_000642.3(AGL):c.4347+1G>A

Gene: AGL (amylo-alpha-1,6-glucosidase and 4-alpha-glucanotransferase; plus strand). Cytogenetic location: 1p21.2.
Variant type: single nucleotide variant.
Coding change: c.4347+1G>A on transcript NM_000642.3 (MANE Select); the canonical splice donor site of the intron after coding-DNA position 4347, G replaced by A.
Molecular consequence: splice donor variant.
Genome position (GRCh38, 1-based): chr1:99,916,498, G>A. VCF-style: chr1-99916498-G-A. GRCh37 (hg19) VCF-style: chr1-100382054-G-A.
Other names: c.4347+1G>A (NM_000643.3, NM_000644.3, NM_001425325.1 and 1 more transcripts); c.4299+1G>A (NM_000646.3); c.4326+1G>A (NM_001425326.1); c.4146+1G>A (NM_001425327.1); c.4143+1G>A (NM_001425328.1); c.4008+1G>A (NM_001425329.1); c.3969+1G>A (NM_001425332.1).
Identifiers: ClinVar variation 456505 (VCV000456505.7), dbSNP rs1553193463, ClinGen allele CA341342376.
Genomic context (GRCh38, chr1:99,916,498, plus strand): 5'-AATGCATTAGACAATGACAACTACAATCTTGCTAAAGGTTTCAATTATCACCAAGGACCT[G>A]TAAGAATTTCATTTATCTTCTGAGTTTCAGTTTAAATTATTTTTCAAGTAATTTTTAGGT-3'